The following is an entry in ClinVar:

NM_012154.5(AGO2):c.1100C>T (p.Ala367Val)

Gene: AGO2 (argonaute RISC catalytic component 2; minus strand). Cytogenetic location: 8q24.3.
Variant type: single nucleotide variant.
Coding change: c.1100C>T on transcript NM_012154.5 (MANE Select); coding-DNA position 1100, C replaced by T.
Protein change: p.Ala367Val; replaces alanine 367 with valine.
Molecular consequence: missense variant.
Genome position (GRCh38, 1-based): chr8:140,556,213, G>A on the plus strand (C>T on the coding strand, the complement: AGO2 is on the minus strand). VCF-style: chr8-140556213-G-A. GRCh37 (hg19) VCF-style: chr8-141566312-G-A.
Other names: c.1100C>T, p.Ala367Val (NM_001164623.3); short protein forms A367V.
Identifiers: ClinVar variation 4840649 (VCV004840649.1).

ClinVar aggregate classification (germline): Uncertain significance (1 of 4 stars; one submission).

Conditions:
Inborn genetic diseases. Identifiers: MedGen C0950123, MeSH D030342.

gnomAD v4.1: 1 of 1,614,086 alleles (0.000062%); highest among the groups gnomAD compares: Admixed American, 0.0017%; no homozygotes.

Submission:

Ambry Genetics
Classification: Uncertain significance for Inborn genetic diseases. Last evaluated: 2026-03-12. Review status: criteria provided, single submitter. Criteria: Ambry Variant Classification Scheme 2023. Collection method: clinical testing. Allele origin: germline.
Comment: The c.1100C>T (p.A367V) alteration is located in exon 9 (coding exon 9) of the AGO2 gene. This alteration results from a C to T substitution at nucleotide position 1100, causing the alanine (A) at amino acid position 367 to be replaced by a valine (V). Based on data from gnomAD, the T allele has an overall frequency of 0.001% (2/282876) total alleles studied. Another variant at the same codon, c.1099G>C (p.A367P), has been identified in individual(s) with features consistent with Lessel-Kreienkamp syndrome (Lessel, 2020). This amino acid position is highly conserved in available vertebrate species. This missense variant is located in a region that has a low rate of benign missense variation (Lek, 2016; Firth, 2009). This alteration is predicted to be tolerated by in silico analysis. Based on insufficient or conflicting evidence, the clinical significance of this alteration remains unclear.

Literature cited by the submitters: PubMed 33199684.